The following is an entry in ClinVar:

ClinVar aggregate classification (germline): Uncertain significance (1 of 4 stars; one submission).

Conditions:
Juvenile polyposis syndrome (JPS). Identifiers: Orphanet 2929, MedGen C0345893, MONDO:0017380, OMIM 174900.

Submission:

Labcorp Genetics (formerly Invitae), Labcorp
Classification: Uncertain significance for Juvenile polyposis syndrome. Last evaluated: 2023-10-24. Review status: criteria provided, single submitter. Criteria: Invitae Variant Classification Sherloc (09022015). Collection method: clinical testing. Allele origin: germline.
Comment: This sequence change replaces tyrosine, which is neutral and polar, with phenylalanine, which is neutral and non-polar, at codon 467 of the BMPR1A protein (p.Tyr467Phe). This variant is not present in population databases (gnomAD no frequency). This variant has not been reported in the literature in individuals affected with BMPR1A-related conditions. Advanced modeling of protein sequence and biophysical properties (such as structural, functional, and spatial information, amino acid conservation, physicochemical variation, residue mobility, and thermodynamic stability) performed at Invitae indicates that this missense variant is not expected to disrupt BMPR1A protein function with a negative predictive value of 80%. In summary, the available evidence is currently insufficient to determine the role of this variant in disease. Therefore, it has been classified as a Variant of Uncertain Significance.

NM_004329.3(BMPR1A):c.1400A>T (p.Tyr467Phe)

Gene: BMPR1A (bone morphogenetic protein receptor type 1A; plus strand). Cytogenetic location: 10q23.2.
Variant type: single nucleotide variant.
Coding change: c.1400A>T on transcript NM_004329.3 (MANE Select); coding-DNA position 1400, A replaced by T.
Protein change: p.Tyr467Phe; replaces tyrosine 467 with phenylalanine.
Molecular consequence: missense variant. On other transcripts: non-coding transcript variant (3).
Genome position (GRCh38, 1-based): chr10:86,923,433, A>T. VCF-style: chr10-86923433-A-T. GRCh37 (hg19) VCF-style: chr10-88683190-A-T.
Other names: c.1475A>T, p.Tyr492Phe (NM_001406559.1); c.1448A>T, p.Tyr483Phe (NM_001406560.1); c.1400A>T, p.Tyr467Phe (NM_001406561.1, NM_001406562.1, NM_001406563.1 and 19 more transcripts); c.1316A>T, p.Tyr439Phe (NM_001406584.1, NM_001406585.1, NM_001406586.1 and 2 more transcripts); c.1058A>T, p.Tyr353Phe (NM_001406589.1); c.1394A>T, p.Tyr465Phe (NM_001406583.1); short protein forms Y492F, Y353F, Y465F, Y467F, Y483F, Y439F.
Identifiers: ClinVar variation 2771502 (VCV002771502.3), dbSNP rs2539648767, ClinGen allele CA377462909.
Genomic context (GRCh38, chr10:86,923,433, plus strand): 5'-TAGGGATCGTGGAAGAATACCAATTGCCATATTACAACATGGTACCGAGTGATCCGTCAT[A>T]CGAAGATATGCGTGAGGTTGTGTGTGTCAAACGTTTGCGGCCAATTGTGTCTAATCGGTG-3'
Protein context (NP_004320.2, residues 457-477): YYNMVPSDPS[Tyr467Phe]EDMREVVCVK